The following is an entry in ClinVar:

ClinVar aggregate classification (germline): Uncertain significance. Review status: criteria provided, multiple submitters, no conflicts (2 of 4 stars). 2 submissions from 2 submitters: Uncertain significance (2). Last evaluated 2025-06-06.

Conditions:
Pulmonary hypertension, primary, 4. Identifiers: Orphanet 422, MedGen C3809198, MONDO:0014136, OMIM 615344.
Inborn genetic diseases. Identifiers: MedGen C0950123, MeSH D030342.

Allele frequency attached by ClinVar (database versions not stated): gnomAD exomes below 0.00001; gnomAD 0.00001; TOPMed 0.00001.
gnomAD v4.1: 4 of 1,606,576 alleles (0.00025%); highest among the groups gnomAD compares: Non-Finnish European, 0.00025%; no homozygotes.

Submissions (2):

Labcorp Genetics (formerly Invitae), Labcorp
Classification: Uncertain significance for Pulmonary hypertension, primary, 4. Last evaluated: 2025-06-06. Review status: criteria provided, single submitter. Criteria: Invitae Variant Classification Sherloc (09022015). Collection method: clinical testing. Allele origin: germline.
Comment: This sequence change replaces methionine, which is neutral and non-polar, with isoleucine, which is neutral and non-polar, at codon 247 of the KCNK3 protein (p.Met247Ile). This variant is not present in population databases (gnomAD no frequency). This variant has not been reported in the literature in individuals affected with KCNK3-related conditions. ClinVar contains an entry for this variant (Variation ID: 3113404). Invitae Evidence Modeling of protein sequence and biophysical properties (such as structural, functional, and spatial information, amino acid conservation, physicochemical variation, residue mobility, and thermodynamic stability) indicates that this missense variant is not expected to disrupt KCNK3 protein function with a negative predictive value of 80%. In summary, the available evidence is currently insufficient to determine the role of this variant in disease. Therefore, it has been classified as a Variant of Uncertain Significance.

Ambry Genetics
Classification: Uncertain significance for Inborn genetic diseases. Last evaluated: 2024-01-08. Review status: criteria provided, single submitter. Criteria: Ambry Variant Classification Scheme 2023. Collection method: clinical testing. Allele origin: germline.

NM_002246.3(KCNK3):c.741G>A (p.Met247Ile)

Gene: KCNK3 (potassium two pore domain channel subfamily K member 3; plus strand). Cytogenetic location: 2p23.3.
Variant type: single nucleotide variant.
Coding change: c.741G>A on transcript NM_002246.3 (MANE Select); coding-DNA position 741, G replaced by A.
Protein change: p.Met247Ile; replaces methionine 247 with isoleucine.
Molecular consequence: missense variant.
Genome position (GRCh38, 1-based): chr2:26,728,124, G>A. VCF-style: chr2-26728124-G-A. GRCh37 (hg19) VCF-style: chr2-26950992-G-A.
Other names: short protein forms M247I.
Identifiers: ClinVar variation 3113404 (VCV003113404.2), dbSNP rs879213487, ClinGen allele CA44398215.